The following is an entry in ClinVar:

ClinVar aggregate classification (germline): Uncertain significance (1 of 4 stars; one submission).

Submission:

Labcorp Genetics (formerly Invitae), Labcorp
Classification: Uncertain significance. Last evaluated: 2021-11-19. Review status: criteria provided, single submitter. Criteria: Invitae Variant Classification Sherloc (09022015). Collection method: clinical testing. Allele origin: germline.
Comment: In summary, the available evidence is currently insufficient to determine the role of this variant in disease. Therefore, it has been classified as a Variant of Uncertain Significance. Algorithms developed to predict the effect of missense changes on protein structure and function are either unavailable or do not agree on the potential impact of this missense change (SIFT: "Not Available"; PolyPhen-2: "Possibly Damaging"; Align-GVGD: "Not Available"). This variant has not been reported in the literature in individuals affected with UNC80-related conditions. This variant is not present in population databases (gnomAD no frequency). This sequence change replaces arginine, which is basic and polar, with proline, which is neutral and non-polar, at codon 360 of the UNC80 protein (p.Arg360Pro).

NM_001371986.1(UNC80):c.1079G>C (p.Arg360Pro)

Gene: UNC80 (unc-80 subunit of NALCN channel complex; plus strand). Cytogenetic location: 2q34.
Variant type: single nucleotide variant.
Coding change: c.1079G>C on transcript NM_001371986.1 (MANE Select); coding-DNA position 1079, G replaced by C.
Protein change: p.Arg360Pro; replaces arginine 360 with proline.
Molecular consequence: missense variant.
Genome position (GRCh38, 1-based): chr2:209,813,720, G>C. VCF-style: chr2-209813720-G-C. GRCh37 (hg19) VCF-style: chr2-210678444-G-C.
Other names: c.1079G>C, p.Arg360Pro (NM_032504.2, NM_182587.4); short protein forms R360P.
Identifiers: ClinVar variation 1352552 (VCV001352552.6), dbSNP rs532329476, ClinGen allele CA350133203.